The following is an entry in ClinVar:

ClinVar aggregate classification (germline): Uncertain significance (1 of 4 stars; one submission).

Conditions:
Hereditary breast ovarian cancer syndrome. Also called: Hereditary breast and ovarian cancer; Hereditary breast and ovarian cancer syndrome; Breast and ovarian cancer; BRCA1- and BRCA2-Associated Hereditary Breast and Ovarian Cancer; Hereditary breast and/or ovarian cancer syndrome; Hereditary breast and ovarian cancer syndrome (HBOC). Identifiers: Orphanet 145, MedGen C0677776, MeSH D061325, MONDO:0003582. Disease mechanism: loss of function.

Submission:

Labcorp Genetics (formerly Invitae), Labcorp
Classification: Uncertain significance for Hereditary breast ovarian cancer syndrome. Last evaluated: 2022-02-20. Review status: criteria provided, single submitter. Criteria: Invitae Variant Classification Sherloc (09022015). Collection method: clinical testing. Allele origin: germline.
Comment: This sequence change replaces glutamic acid, which is acidic and polar, with glycine, which is neutral and non-polar, at codon 2476 of the BRCA2 protein (p.Glu2476Gly). This variant is not present in population databases (gnomAD no frequency). This variant has not been reported in the literature in individuals affected with BRCA2-related conditions. Advanced modeling of protein sequence and biophysical properties (such as structural, functional, and spatial information, amino acid conservation, physicochemical variation, residue mobility, and thermodynamic stability) performed at Invitae indicates that this missense variant is not expected to disrupt BRCA2 protein function. In summary, the available evidence is currently insufficient to determine the role of this variant in disease. Therefore, it has been classified as a Variant of Uncertain Significance.

NM_000059.4(BRCA2):c.7427A>G (p.Glu2476Gly)

Gene: BRCA2 (BRCA2 DNA repair associated; plus strand). Cytogenetic location: 13q13.1.
Variant type: single nucleotide variant.
Coding change: c.7427A>G on transcript NM_000059.4 (MANE Select); coding-DNA position 7427, A replaced by G.
Protein change: p.Glu2476Gly; replaces glutamic acid 2476 with glycine.
Molecular consequence: missense variant.
Genome position (GRCh38, 1-based): chr13:32,355,280, A>G. VCF-style: chr13-32355280-A-G. GRCh37 (hg19) VCF-style: chr13-32929417-A-G.
Other names: c.7331A>G, p.Glu2444Gly (NM_001406719.1); c.7427A>G, p.Glu2476Gly (NM_001406720.1); c.2495A>G, p.Glu832Gly (NM_001406721.1); c.1010A>G, p.Glu337Gly (NM_001406722.1); short protein forms E2476G, E337G, E2444G, E832G.
Identifiers: ClinVar variation 2100738 (VCV002100738.4), dbSNP rs1593918687, ClinGen allele CA387742069.
Genomic context (GRCh38, chr13:32,355,280, plus strand): 5'-AGTTTAACAAAAACAACTCCAATCAAGCAGTAGCTGTAACTTTCACAAAGTGTGAAGAAG[A>G]ACCTTTAGGTATTGTATGACAATTTGTGTGATGAATTTTTGCCTTTCAGTTAGATATTTC-3'
Protein context (NP_000050.3, residues 2466-2486): VAVTFTKCEE[Glu2476Gly]PLDLITSLQN